The following is an entry in ClinVar:

ClinVar aggregate classification (germline): Pathogenic/Likely pathogenic. Review status: criteria provided, multiple submitters, no conflicts (2 of 4 stars). 2 submissions from 2 submitters: Pathogenic (1); Likely pathogenic (1). Last evaluated 2023-12-30.

Conditions:
Retinitis pigmentosa 25 (RP25). Identifiers: Orphanet 791, MedGen C1864446, MONDO:0011272, OMIM 602772.

Allele frequency attached by ClinVar (database versions not stated): gnomAD exomes below 0.00001 and 0.00001.

Submissions (2):

Baylor Genetics
Classification: Likely pathogenic for Retinitis pigmentosa 25. Last evaluated: 2023-12-30. Review status: criteria provided, single submitter. Criteria: ACMG Guidelines, 2015. Collection method: clinical testing. Allele origin: unknown.

Labcorp Genetics (formerly Invitae), Labcorp
Classification: Pathogenic. Last evaluated: 2023-12-09. Review status: criteria provided, single submitter. Criteria: Invitae Variant Classification Sherloc (09022015). Collection method: clinical testing. Allele origin: germline.
Comment: This sequence change creates a premature translational stop signal (p.Asp2930Thrfs*45) in the EYS gene. While this is not anticipated to result in nonsense mediated decay, it is expected to disrupt the last 215 amino acid(s) of the EYS protein. This variant is present in population databases (no rsID available, gnomAD 0.002%). This variant has not been reported in the literature in individuals affected with EYS-related conditions. ClinVar contains an entry for this variant (Variation ID: 1355157). This variant disrupts a region of the EYS protein in which other variant(s) (p.Tyr3135*) have been determined to be pathogenic (PMID: 18976725, 29159838, 30337596, 31074760). This suggests that this is a clinically significant region of the protein, and that variants that disrupt it are likely to be disease-causing. For these reasons, this variant has been classified as Pathogenic.

Literature cited by the submitters: PubMed 18976725 (cited by Labcorp Genetics (formerly Invitae), Labcorp); PubMed 29159838 (cited by Labcorp Genetics (formerly Invitae), Labcorp); PubMed 30337596 (cited by Labcorp Genetics (formerly Invitae), Labcorp); PubMed 31074760 (cited by Labcorp Genetics (formerly Invitae), Labcorp).

NM_001142800.2(EYS):c.8788del (p.Asp2930fs)

Genes: EYS (EGF-like photoreceptor maintenance factor; minus strand), PHF3 (PHD finger protein 3; plus strand). Cytogenetic location: 6q12.
Variant type: Deletion.
Coding change: c.8788del on transcript NM_001142800.2 (MANE Select); coding-DNA position 8788, one base deleted (G; older notation c.8788delG).
Protein change: p.Asp2930fs; shifts the reading frame from aspartic acid 2930.
Molecular consequence: frameshift variant. On other transcripts: 3 prime UTR variant (5).
Genome position (GRCh38, 1-based): chr6:63,721,243, C deleted on the plus strand (G on the coding strand, the reverse complement: EYS is on the minus strand). VCF-style (leftmost placement, unchanged base first): chr6-63721242-TC-T. GRCh37 (hg19) VCF-style: chr6-64431138-TC-T.
Other names: c.*7535del (NM_001290259.2, NM_001370348.2, NM_001370349.2 and 2 more transcripts); c.8851del, p.Asp2951fs (NM_001292009.2); short protein forms D2930fs, D2951fs.
Identifiers: ClinVar variation 1355157 (VCV001355157.7), dbSNP rs1561993898, ClinGen allele CA568118946.
Genomic context (GRCh38, chr6:63,721,242, plus strand): 5'-TTTTCACAATACCTTCCCACCCAACCCAAAGTACACAGGCAACTGTAAGAAAATGATTGG[TC>T]AGGTATACATAAAGATTGGTGGAGGCAAAGATTATTCAAACAGGACACAGACTGGTTACA-3'